The following is an entry in ClinVar:

NM_000257.4(MYH7):c.664C>A (p.Gln222Lys)

Gene: MYH7 (myosin heavy chain 7; minus strand). Cytogenetic location: 14q11.2.
Variant type: single nucleotide variant.
Coding change: c.664C>A on transcript NM_000257.4 (MANE Select); coding-DNA position 664, C replaced by A.
Protein change: p.Gln222Lys; replaces glutamine 222 with lysine.
Molecular consequence: missense variant.
Genome position (GRCh38, 1-based): chr14:23,431,653, G>T on the plus strand (C>A on the coding strand, the complement: MYH7 is on the minus strand). VCF-style: chr14-23431653-G-T. GRCh37 (hg19) VCF-style: chr14-23900862-G-T.
Other names: c.664C>A (LRG_384t1); short protein forms Q222K.
Identifiers: ClinVar variation 407189 (VCV000407189.16), dbSNP rs1060501445, ClinGen allele CA16614501.
Genomic context (GRCh38, chr14:23,431,653, plus strand): 5'-AGGAGTTGTCGTTCCGGACGGTCTTGGCATTGCCAAAGGCCTCCAGAGCAGGGTTGGCCT[G>T]GATGATCTGGTCCTCCAGGGTGCCCTGCAGAGGCCAAGAAGGAGGCAGGTGAGAGCTCTT-3'
Protein context (NP_000248.2, residues 212-232): GKGTLEDQII[Gln222Lys]ANPALEAFGN

ClinVar aggregate classification (germline): Uncertain significance. Review status: criteria provided, multiple submitters, no conflicts (2 of 4 stars). 5 submissions from 5 submitters: Uncertain significance (5). Last evaluated 2025-09-05.

Conditions:
Cardiovascular phenotype. Identifiers: MedGen CN230736.
Cardiomyopathy (CMYO). Also called: Cardiomyopathies. Identifiers: Orphanet 167848, MedGen C0878544, MONDO:0004994, HP:0001638. Inheritance: Various modes of inheritance.
Hypertrophic cardiomyopathy. Also called: HYPERTROPHIC MYOCARDIOPATHY. Identifiers: Orphanet 217569, MedGen C0007194, MeSH D002312, MONDO:0005045, HP:0001639.

Allele frequency attached by ClinVar (database versions not stated): TOPMed below 0.00001; gnomAD 0.00001.
gnomAD v4.1: 1 of 1,614,134 alleles (0.000062%); highest among the groups gnomAD compares: Non-Finnish European, 0.000085%; no homozygotes.

Submissions (5):

Color Diagnostics, LLC DBA Color Health
Classification: Uncertain significance for Cardiomyopathy. Last evaluated: 2025-09-05. Review status: criteria provided, single submitter. Criteria: ACMG Guidelines, 2015. Collection method: clinical testing. Allele origin: germline.
Comment: This missense variant replaces glutamine with lysine at codon 222 of the MYH7 protein. Computational prediction is inconclusive regarding the impact of this variant on protein structure and function. To our knowledge, functional studies have not been reported for this variant. This variant has been reported in 3 individuals with hypertrophic cardiomyopathy (PMID: 28640247, 30297972) and in an individual affected with cardiomyopathy and/or arrhythmia (PMID: 35947370). This variant has not been identified in the general population by the Genome Aggregation Database (gnomAD). The available evidence is insufficient to determine the role of this variant in disease conclusively. Therefore, this variant is classified as a Variant of Uncertain Significance.

Labcorp Genetics (formerly Invitae), Labcorp
Classification: Uncertain significance for Hypertrophic cardiomyopathy. Last evaluated: 2025-01-20. Review status: criteria provided, single submitter. Criteria: Invitae Variant Classification Sherloc (09022015). Collection method: clinical testing. Allele origin: germline.
Comment: This sequence change replaces glutamine, which is neutral and polar, with lysine, which is basic and polar, at codon 222 of the MYH7 protein (p.Gln222Lys). This variant is not present in population databases (gnomAD no frequency). This missense change has been observed in individual(s) with hypertrophic cardiomyopathy (PMID: 7731997, 28640247). ClinVar contains an entry for this variant (Variation ID: 407189). Invitae Evidence Modeling of protein sequence and biophysical properties (such as structural, functional, and spatial information, amino acid conservation, physicochemical variation, residue mobility, and thermodynamic stability) indicates that this missense variant is expected to disrupt MYH7 protein function with a positive predictive value of 95%. In summary, the available evidence is currently insufficient to determine the role of this variant in disease. Therefore, it has been classified as a Variant of Uncertain Significance.

All of Us Research Program, National Institutes of Health
Classification: Uncertain significance for Cardiomyopathy. Last evaluated: 2024-08-06. Review status: criteria provided, single submitter. Criteria: ACMG Guidelines, 2015. Collection method: clinical testing. Allele origin: germline. Inheritance: Autosomal dominant inheritance. Observed: 1 variant allele, 1 heterozygote.
Comment: This study involves interpretation of variants in research participants for the purpose of population health screening. Participant phenotype was not available at the time of variant classification. Additional details can be found in publication PMID: 35346344, PMCID: PMC8962531

GeneDx
Classification: Uncertain significance. Last evaluated: 2024-03-19. Review status: criteria provided, single submitter. Criteria: GeneDx Variant Classification Process June 2021. Collection method: clinical testing. Allele origin: germline. Affected: yes.
Comment: Not observed at significant frequency in large population cohorts (gnomAD); In silico analysis supports that this missense variant does not alter protein structure/function; This variant is associated with the following publications: (PMID: 28640247, 10329202, 12379228, 7731997, 27532257, 29300372, 27247418)

Ambry Genetics
Classification: Uncertain significance for Cardiovascular phenotype. Last evaluated: 2022-12-21. Review status: criteria provided, single submitter. Criteria: Ambry Variant Classification Scheme 2023. Collection method: clinical testing. Allele origin: germline.
Comment: The p.Q222K variant (also known as c.664C>A), located in coding exon 6 of the MYH7 gene, results from a C to A substitution at nucleotide position 664. The glutamine at codon 222 is replaced by lysine, an amino acid with similar properties. This alteration is located in the myosin head domain, which contains a statistically significant clustering of pathogenic missense variants (Homburger JR et al. Proc Natl Acad Sci U S A, 2016 06;113:6701-6; Walsh R et al. Genet Med, 2017 02;19:192-203; Ambry internal data). This alteration has been reported in a hypertrophic cardiomyopathy cohort; however, clinical details were limited (Ko C et al. Genet Med, 2018 Jan;20:69-75). This amino acid position is not well conserved in available vertebrate species. In addition, the in silico prediction for this alteration is inconclusive. Since supporting evidence is limited at this time, the clinical significance of this alteration remains unclear.

Literature cited by the submitters: PubMed 28640247 (cited by 3 submitters); PubMed 30297972 (cited by Color Diagnostics, LLC DBA Color Health); PubMed 35947370 (cited by Color Diagnostics, LLC DBA Color Health); PubMed 7731997 (cited by Labcorp Genetics (formerly Invitae), Labcorp).